The following is an entry in ClinVar:

ClinVar aggregate classification (germline): Uncertain significance (1 of 4 stars; one submission).

Conditions:
Loeys-Dietz syndrome 1 (LDS1). Also called: TGFBR1-Related Loeys-Dietz Syndrome; FURLONG SYNDROME; AORTIC ANEURYSM, FAMILIAL THORACIC 5. Identifiers: Orphanet 60030, MedGen C4551955, MONDO:0012212, OMIM 609192.

Submission:

Juno Genomics, Hangzhou Juno Genomics, Inc
Classification: Uncertain significance for Loeys-Dietz syndrome 1. Review status: criteria provided, single submitter. Criteria: ACMG Guidelines, 2015. Collection method: clinical testing. Allele origin: germline. Affected: yes.
Comment: Absent from controls (or at extremely low frequency if recessive) in Genome Aggregation Database, Exome Sequencing Project, 1000 Genomes Project, or Exome Aggregation Consortium.;Protein length changes due to in-frame deletions/insertions in a non-repeat region or stop-loss variants.

NM_004612.4(TGFBR1):c.962_973del (p.Val321_Gln324del)

Gene: TGFBR1 (transforming growth factor beta receptor 1; plus strand). Cytogenetic location: 9q22.33.
Variant type: Deletion.
Coding change: c.962_973del on transcript NM_004612.4 (MANE Select); coding-DNA positions 962 to 973, 12 bases deleted (TTGGTACCCAAG).
Protein change: p.Val321_Gln324del.
Molecular consequence: non-coding transcript variant (on NR_176360.1). On other transcripts: intron variant (2).
Genome position (GRCh38, 1-based): chr9:99,142,692-99,142,703, TTGGTACCCAAG deleted; deleting any 12 consecutive bases within chr9:99,142,691-99,142,703 gives the same sequence; the c. name uses the placement nearest the transcript's 3' end. VCF-style (leftmost placement, unchanged base first): chr9-99142690-TGTTGGTACCCAA-T. GRCh37 (hg19) VCF-style: chr9-101904972-TGTTGGTACCCAA-T.
Other names: c.731_742del, p.Val244_Gln247del (NM_001130916.3, NM_001407435.1); c.974_985del, p.Val325_Gln328del (NM_001306210.2); c.767_778del, p.Val256_Gln259del (NM_001407418.1, NM_001407419.1, NM_001407420.1 and 1 more transcripts); c.755_766del, p.Val252_Gln255del (NM_001407423.1, NM_001407424.1, NM_001407425.1 and 8 more transcripts); c.716_727del, p.Val239_Gln242del (NM_001407436.1); c.254_265del, p.Val85_Gln88del (NM_001407437.1); c.485_496del, p.Val162_Gln165del (NM_001407438.1); c.818-2040_818-2029del (NM_001407416.1); and 1 more.
Identifiers: ClinVar variation 3906981 (VCV003906981.2).